The following is an entry in ClinVar:

ClinVar aggregate classification (germline): Pathogenic/Likely pathogenic. Review status: criteria provided, multiple submitters, no conflicts (2 of 4 stars). 4 submissions from 4 submitters: Pathogenic (3); Likely pathogenic (1). Last evaluated 2026-01-12.

Conditions:
Neu-Laxova syndrome 2. Identifiers: Orphanet 2671, Orphanet 583602, MedGen C4015019, MONDO:0014466, OMIM 616038.
PSAT1-related disorder. Also called: PSAT1-related condition; PSAT1-related disorders.

Submissions (4):

Labcorp Genetics (formerly Invitae), Labcorp
Classification: Pathogenic for Neu-Laxova syndrome 2. Last evaluated: 2026-01-12. Review status: criteria provided, single submitter. Criteria: Invitae Variant Classification Sherloc (09022015). Collection method: clinical testing. Allele origin: germline.
Comment: This sequence change replaces alanine, which is neutral and non-polar, with valine, which is neutral and non-polar, at codon 99 of the PSAT1 protein (p.Ala99Val). The frequency data for this variant in the population databases is considered unreliable, as metrics indicate poor data quality at this position in the gnomAD database. This missense change has been observed in individuals with Neu-Laxova syndrome (PMID: 25152457, 30214071, 32579715). It has also been observed to segregate with disease in related individuals. ClinVar contains an entry for this variant (Variation ID: 372478). An algorithm developed to predict the effect of missense changes on protein structure and function (PolyPhen-2) suggests that this variant is likely to be disruptive. Experimental studies have shown that this missense change affects PSAT1 function (PMID: 32077105). For these reasons, this variant has been classified as Pathogenic.

GeneDx
Classification: Pathogenic. Last evaluated: 2025-10-07. Review status: criteria provided, single submitter. Criteria: GeneDx Variant Classification Process June 2021. Collection method: clinical testing. Allele origin: germline. Affected: yes.
Comment: In silico analysis supports a deleterious effect on protein structure/function; In silico analysis also suggests this variant may impact gene splicing. In the absence of RNA/functional studies, the actual effect of this sequence change is unknown; This variant is associated with the following publications: (PMID: 25152457, 32077105, 30293248, 26960553, 30214071, 32579715, 39638571)

PreventionGenetics, part of Exact Sciences
Classification: Likely pathogenic for PSAT1-related condition. Last evaluated: 2025-04-23. Review status: criteria provided, single submitter. Criteria: ACMG Guidelines, 2015. Collection method: clinical testing. Allele origin: germline.
Comment: The PSAT1 c.296_297delinsTG variant is predicted to result in an in-frame deletion and insertion. To our knowledge, this specific variant has not been reported in literature or public databases. However, a different variant leading to the same amino acid substitution [c.296C>T (p.Ala99Val)] has been reported in the homozygous and compound heterozygous states in multiple unrelated individuals with Neu-Laxova syndrome (Acuna-Hidalgo et al. 2014. PubMed ID: 25152457; Table S1 - Shaheen et al. 2019. PubMed ID: 30214071; Abdelfattah et al. 2020. PubMed ID: 32579715). This variant has conflicting interpretations regarding its pathogenicity in ClinVar, ranging from likely pathogenic to uncertain significance. This variant is interpreted as likely pathogenic.

Women's Health and Genetics/Laboratory Corporation of America, LabCorp
Classification: Pathogenic for PSAT1-Related Disorders. Last evaluated: 2025-01-15. Review status: criteria provided, single submitter. Criteria: LabCorp Variant Classification Summary - May 2015. Collection method: clinical testing. Allele origin: germline.
Comment: Variant summary: PSAT1 c.296_297delinsTG (p.Ala99Val) results in a non-conservative amino acid change located in the PSAT_like domain (IPR022278) of the encoded protein sequence. Four of five in-silico tools predict a damaging effect of the variant on protein function. The variant allele was found at a frequency of 0.00015 in 282872 control chromosomes. This frequency is not significantly higher than estimated for a pathogenic variant in PSAT1 causing PSAT1-Related Disorders, allowing no conclusion about variant significance. c.296_297delinsTG has been reported in the literature in multiple individuals affected with Neu-Laxova Syndrome (example, Acuna-Hidalgo_2014). These data indicate that the variant is very likely to be associated with disease. To our knowledge, no experimental evidence demonstrating an impact on protein function has been reported. The following publications have been ascertained in the context of this evaluation (PMID: 31589614, 25152457). ClinVar contains an entry for this variant (Variation ID: 372478). Based on the evidence outlined above, the variant was classified as pathogenic.

Literature cited by the submitters: PubMed 25152457 (cited by Labcorp Genetics (formerly Invitae), Labcorp and Women's Health and Genetics/Laboratory Corporation of America, LabCorp); PubMed 30214071 (cited by Labcorp Genetics (formerly Invitae), Labcorp); PubMed 32579715 (cited by Labcorp Genetics (formerly Invitae), Labcorp); PubMed 32077105 (cited by Labcorp Genetics (formerly Invitae), Labcorp); PubMed 31589614 (cited by Women's Health and Genetics/Laboratory Corporation of America, LabCorp).

NM_058179.4(PSAT1):c.296_297delinsTG (p.Ala99Val)

Gene: PSAT1 (phosphoserine aminotransferase 1; plus strand). Cytogenetic location: 9q21.2.
Variant type: Indel.
Coding change: c.296_297delinsTG on transcript NM_058179.4 (MANE Select); coding-DNA positions 296 to 297, CT replaced by TG.
Protein change: p.Ala99Val; replaces alanine 99 with valine.
Molecular consequence: missense variant.
Genome position (GRCh38, 1-based): chr9:78,304,839-78,304,840, CT replaced by TG. VCF-style: chr9-78304839-CT-TG. GRCh37 (hg19) VCF-style: chr9-80919755-CT-TG.
Other names: c.296_297delinsTG, p.Ala99Val (NM_021154.5); c.296_297delCTinsTG (NM_058179.2); c.296_297delinsTG (NM_058179.2, NM_058179.3); short protein forms A99V.
Identifiers: ClinVar variation 372478 (VCV000372478.15), dbSNP rs1057517807, ClinGen allele CA16042652.